The following is an entry in ClinVar:

ClinVar aggregate classification (germline): Pathogenic (1 of 4 stars; one submission).

Submission:

Labcorp Genetics (formerly Invitae), Labcorp
Classification: Pathogenic. Last evaluated: 2024-07-08. Review status: criteria provided, single submitter. Criteria: Invitae Variant Classification Sherloc (09022015). Collection method: clinical testing. Allele origin: germline.
Comment: This sequence change creates a premature translational stop signal (p.Ser1491Alafs*36) in the ABCA4 gene. It is expected to result in an absent or disrupted protein product. Loss-of-function variants in ABCA4 are known to be pathogenic (PMID: 10958761, 24938718, 25312043, 26780318). This variant is not present in population databases (gnomAD no frequency). This variant has not been reported in the literature in individuals affected with ABCA4-related conditions. ClinVar contains an entry for this variant (Variation ID: 1455575). Algorithms developed to predict the effect of sequence changes on RNA splicing suggest that this variant may create or strengthen a splice site. For these reasons, this variant has been classified as Pathogenic.

Literature cited by the submitters: PubMed 10958761; PubMed 24938718; PubMed 25312043; PubMed 26780318.

NM_000350.3(ABCA4):c.4468_4469dup (p.Ser1491fs)

Gene: ABCA4 (ATP binding cassette subfamily A member 4; minus strand). Cytogenetic location: 1p22.1.
Variant type: Duplication.
Coding change: c.4468_4469dup on transcript NM_000350.3 (MANE Select); coding-DNA positions 4468 to 4469, 2 bases duplicated (TG; older notation c.4468_4469dupTG).
Protein change: p.Ser1491fs; shifts the reading frame from serine 1491.
Molecular consequence: frameshift variant.
Genome position (GRCh38, 1-based): chr1:94,029,515-94,029,516, CA duplicated on the plus strand (TG on the coding strand, the reverse complement: ABCA4 is on the minus strand); duplicating any 2 consecutive bases within chr1:94,029,515-94,029,517 gives the same sequence; the c. name uses the placement nearest the transcript's 3' end. VCF-style (leftmost placement, unchanged base first): chr1-94029514-G-GCA. GRCh37 (hg19) VCF-style: chr1-94495070-G-GCA.
Other names: c.4245_4246dup, p.Ser1417Alafs (NM_001425324.1); short protein forms S1491fs.
Identifiers: ClinVar variation 1455575 (VCV001455575.6), dbSNP rs2101033562, ClinGen allele CA2573131931.